The following is an entry in ClinVar:

NM_006432.5(NPC2):c.45C>A (p.Thr15=)

Gene: NPC2 (NPC intracellular cholesterol transporter 2; minus strand). Cytogenetic location: 14q24.3.
Variant type: single nucleotide variant.
Coding change: c.45C>A on transcript NM_006432.5 (MANE Select); coding-DNA position 45, C replaced by A.
Protein change: p.Thr15=; no amino-acid change (threonine 15 retained).
Molecular consequence: synonymous variant.
Genome position (GRCh38, 1-based): chr14:74,493,230, G>T on the plus strand (C>A on the coding strand, the complement: NPC2 is on the minus strand). VCF-style: chr14-74493230-G-T. GRCh37 (hg19) VCF-style: chr14-74959933-G-T.
Other names: c.45C>A (NM_006432.3); c.45C>A, p.Thr15= (NM_001363688.1, NM_001375440.1).
Identifiers: ClinVar variation 1082168 (VCV001082168.11), dbSNP rs1025180543, ClinGen allele CA263573236.

ClinVar aggregate classification (germline): Likely benign. Review status: criteria provided, single submitter (1 of 4 stars). 2 submissions from 2 submitters: Likely benign (1). 1 of the submissions does not count toward it. Last evaluated 2025-11-13.

Conditions:
NPC2-related disorder. Also called: NPC2-related condition.
Niemann-Pick disease, type C2 (NPC2). Identifiers: Orphanet 646, MedGen C1843366, MONDO:0011873, OMIM 607625.

Allele frequency attached by ClinVar (database versions not stated): gnomAD exomes below 0.00001 and 0.00002; gnomAD 0.00002; TOPMed 0.00003.
gnomAD v4.1: 25 of 1,612,920 alleles (0.0015%); highest among the groups gnomAD compares: Admixed American, 0.0067%; no homozygotes.

Submissions (2):

Labcorp Genetics (formerly Invitae), Labcorp
Classification: Likely benign for Niemann-Pick disease, type C2. Last evaluated: 2025-11-13. Review status: criteria provided, single submitter. Criteria: Invitae Variant Classification Sherloc (09022015). Collection method: clinical testing. Allele origin: germline.

PreventionGenetics, part of Exact Sciences
Classification: Likely benign for NPC2-related condition. Last evaluated: 2023-10-18. Review status: no assertion criteria provided. Collection method: clinical testing. Allele origin: germline. Not counted in ClinVar's aggregate classification.
Comment: This variant is classified as likely benign based on ACMG/AMP sequence variant interpretation guidelines (Richards et al. 2015 PMID: 25741868, with internal and published modifications).